The following is an entry in ClinVar:

NM_017613.4(DONSON):c.1615G>A (p.Glu539Lys)

Gene: DONSON (DNA replication fork stabilization factor DONSON; minus strand). Cytogenetic location: 21q22.11.
Variant type: single nucleotide variant.
Coding change: c.1615G>A on transcript NM_017613.4 (MANE Select); coding-DNA position 1615, G replaced by A.
Protein change: p.Glu539Lys; replaces glutamic acid 539 with lysine.
Molecular consequence: missense variant.
Genome position (GRCh38, 1-based): chr21:33,578,393, C>T on the plus strand (G>A on the coding strand, the complement: DONSON is on the minus strand). VCF-style: chr21-33578393-C-T. GRCh37 (hg19) VCF-style: chr21-34950699-C-T.
Other names: short protein forms E539K.
Identifiers: ClinVar variation 711008 (VCV000711008.16), dbSNP rs147521584, ClinGen allele CA10010255.
Genomic context (GRCh38, chr21:33,578,393, plus strand): 5'-CTCTCAGCACCACATTCCGTAAAGATGATTTCCCAAGTAACGGTATTTGACTAAGTTGCT[C>T]CAGAGTGTTAGGGTGCAAACCACAGTTAGTAAGCTCCTTATGAACAACCTCCTGTGGAAA-3'
Protein context (NP_060083.1, residues 529-549): TNCGLHPNTL[Glu539Lys]QLSQIPLLGK

ClinVar aggregate classification (germline): Likely benign. Review status: criteria provided, multiple submitters, no conflicts (2 of 4 stars). 5 submissions from 5 submitters: Likely benign (4). 1 of the submissions does not count toward it. Last evaluated 2026-06-01.

Conditions:
DONSON-related disorder. Also called: DONSON-related condition.

Allele frequency attached by ClinVar (database versions not stated): gnomAD exomes 0.00031 and 0.00045; ExAC 0.00054; ESP Exome Variant Server 0.00092; 1000 Genomes Project 30x 0.00094; 1000 Genomes Project 0.00120; gnomAD 0.00129 and 0.00136; TOPMed 0.00151.

Submissions (5):

CeGaT Center for Human Genetics Tuebingen
Classification: Likely benign. Last evaluated: 2026-06-01. Review status: criteria provided, single submitter. Criteria: CeGaT Center For Human Genetics Tuebingen Variant Classification Criteria Version 2. Collection method: clinical testing. Allele origin: germline. Affected: yes. Observed: 1 variant allele.
Comment: DONSON: BP4

Labcorp Genetics (formerly Invitae), Labcorp
Classification: Likely benign. Last evaluated: 2026-01-18. Review status: criteria provided, single submitter. Criteria: Invitae Variant Classification Sherloc (09022015). Collection method: clinical testing. Allele origin: germline.

Blueprint Genetics
Classification: Likely benign. Last evaluated: 2024-11-28. Review status: criteria provided, single submitter. Criteria: ACMG Guidelines, 2015. Collection method: clinical testing. Allele origin: germline.

Breakthrough Genomics
Classification: Likely benign. Review status: criteria provided, single submitter. Criteria: ACMG Guidelines, 2015. Collection method: not provided. Allele origin: germline. Inheritance: Autosomal recessive inheritance. Affected: yes.

PreventionGenetics, part of Exact Sciences
Classification: Likely benign for DONSON-related condition. Last evaluated: 2022-06-15. Review status: no assertion criteria provided. Collection method: clinical testing. Allele origin: germline. Not counted in ClinVar's aggregate classification.
Comment: This variant is classified as likely benign based on ACMG/AMP sequence variant interpretation guidelines (Richards et al. 2015 PMID: 25741868, with internal and published modifications).